The following is an entry in ClinVar:

ClinVar aggregate classification (germline): Uncertain significance (1 of 4 stars; one submission).

Conditions:
Dyskeratosis congenita. Identifiers: Orphanet 1775, MedGen C0265965, MONDO:0015780.

Allele frequency attached by ClinVar (database versions not stated): gnomAD exomes below 0.00001.
gnomAD v4.1: 1 of 1,614,098 alleles (0.000062%); highest among the groups gnomAD compares: Non-Finnish European, 0.000085%; no homozygotes.

Submission:

Ambry Genetics
Classification: Uncertain significance for Dyskeratosis congenita. Last evaluated: 2023-11-16. Review status: criteria provided, single submitter. Criteria: Ambry Variant Classification Scheme 2023. Collection method: clinical testing. Allele origin: germline.
Comment: The p.Y638H variant (also known as c.1912T>C), located in coding exon 4 of the TERT gene, results from a T to C substitution at nucleotide position 1912. The tyrosine at codon 638 is replaced by histidine, an amino acid with similar properties. This amino acid position is conserved. In addition, the in silico prediction for this alteration is inconclusive. Since supporting evidence is limited at this time, the clinical significance of this alteration remains unclear.

NM_198253.3(TERT):c.1912T>C (p.Tyr638His)

Gene: TERT (telomerase reverse transcriptase; minus strand). Cytogenetic location: 5p15.33.
Variant type: single nucleotide variant.
Coding change: c.1912T>C on transcript NM_198253.3 (MANE Select); coding-DNA position 1912, T replaced by C.
Protein change: p.Tyr638His; replaces tyrosine 638 with histidine.
Molecular consequence: missense variant. On other transcripts: non-coding transcript variant (2).
Genome position (GRCh38, 1-based): chr5:1,280,196, A>G on the plus strand (T>C on the coding strand, the complement: TERT is on the minus strand). VCF-style: chr5-1280196-A-G. GRCh37 (hg19) VCF-style: chr5-1280311-A-G.
Other names: c.1912T>C, p.Tyr638His (NM_001193376.3, NM_003219.1); short protein forms Y638H.
Identifiers: ClinVar variation 3238528 (VCV003238528.1), dbSNP rs2478284256.